The following is an entry in ClinVar:

NM_002691.4(POLD1):c.2589C>G (p.His863Gln)

Gene: POLD1 (DNA polymerase delta 1, catalytic subunit; plus strand). Cytogenetic location: 19q13.33.
Variant type: single nucleotide variant.
Coding change: c.2589C>G on transcript NM_002691.4 (MANE Select); coding-DNA position 2589, C replaced by G.
Protein change: p.His863Gln; replaces histidine 863 with glutamine.
Molecular consequence: missense variant. On other transcripts: non-coding transcript variant (1).
Genome position (GRCh38, 1-based): chr19:50,415,462, C>G. VCF-style: chr19-50415462-C-G. GRCh37 (hg19) VCF-style: chr19-50918719-C-G.
Other names: c.2589C>G, p.His863Gln (NM_001256849.1); c.2667C>G, p.His889Gln (NM_001308632.1); short protein forms H889Q, H863Q.
Identifiers: ClinVar variation 808631 (VCV000808631.23), dbSNP rs954146834, ClinGen allele CA406985345.

ClinVar aggregate classification (germline): Uncertain significance. Review status: criteria provided, multiple submitters, no conflicts (2 of 4 stars). 3 submissions from 3 submitters: Uncertain significance (3). Last evaluated 2025-11-18.

Conditions:
Hereditary cancer-predisposing syndrome. Also called: Hereditary Cancer Syndrome; Hereditary neoplastic syndrome; Neoplastic Syndromes, Hereditary; Tumor predisposition. Identifiers: Orphanet 140162, MedGen C0027672, MeSH D009386, MONDO:0015356.
POLD1-related polyposis and colorectal cancer syndrome (CRCS10). Also called: Colorectal cancer, susceptibility to, 10; Colorectal cancer 10; COLORECTAL CANCER, SUSCEPTIBILITY TO, ON CHROMOSOME 19q. Identifiers: Orphanet 220460, MedGen C2675481, MONDO:0012953, OMIM 612591.

Allele frequency attached by ClinVar (database versions not stated): TOPMed 0.00001.

Submissions (3):

Labcorp Genetics (formerly Invitae), Labcorp
Classification: Uncertain significance for POLD1-related polyposis and colorectal cancer syndrome. Last evaluated: 2025-11-18. Review status: criteria provided, single submitter. Criteria: Invitae Variant Classification Sherloc (09022015). Collection method: clinical testing. Allele origin: germline.
Comment: This sequence change replaces histidine, which is basic and polar, with glutamine, which is neutral and polar, at codon 863 of the POLD1 protein (p.His863Gln). This variant is not present in population databases (gnomAD no frequency). This variant has not been reported in the literature in individuals affected with POLD1-related conditions. ClinVar contains an entry for this variant (Variation ID: 808631). Invitae Evidence Modeling of protein sequence and biophysical properties (such as structural, functional, and spatial information, amino acid conservation, physicochemical variation, residue mobility, and thermodynamic stability) indicates that this missense variant is not expected to disrupt POLD1 protein function with a negative predictive value of 80%. In summary, the available evidence is currently insufficient to determine the role of this variant in disease. Therefore, it has been classified as a Variant of Uncertain Significance.

Ambry Genetics
Classification: Uncertain significance for Hereditary cancer-predisposing syndrome. Last evaluated: 2025-07-17. Review status: criteria provided, single submitter. Criteria: Ambry Variant Classification Scheme 2023. Collection method: clinical testing. Allele origin: germline.
Comment: The p.H863Q variant (also known as c.2589C>G), located in coding exon 20 of the POLD1 gene, results from a C to G substitution at nucleotide position 2589. The histidine at codon 863 is replaced by glutamine, an amino acid with highly similar properties. This amino acid position is well conserved in available vertebrate species. In addition, this alteration is predicted to be tolerated by in silico analysis. Based on the available evidence, the clinical significance of this variant remains unclear.

GeneDx
Classification: Uncertain significance. Last evaluated: 2023-03-27. Review status: criteria provided, single submitter. Criteria: GeneDx Variant Classification Process June 2021. Collection method: clinical testing. Allele origin: germline. Affected: yes.
Comment: Not observed at significant frequency in large population cohorts (gnomAD); In silico analysis supports that this missense variant has a deleterious effect on protein structure/function; Has not been previously published as pathogenic or benign to our knowledge